The following is an entry in ClinVar:

NM_152906.7(TANGO2):c.161A>T (p.Glu54Val)

Gene: TANGO2 (transport and golgi organization 2 homolog; plus strand). Cytogenetic location: 22q11.21.
Variant type: single nucleotide variant.
Coding change: c.161A>T on transcript NM_152906.7 (MANE Select); coding-DNA position 161, A replaced by T.
Protein change: p.Glu54Val; replaces glutamic acid 54 with valine.
Molecular consequence: missense variant. On other transcripts: 5 prime UTR variant (12), non-coding transcript variant (5).
Genome position (GRCh38, 1-based): chr22:20,052,480, A>T. VCF-style: chr22-20052480-A-T. GRCh37 (hg19) VCF-style: chr22-20040003-A-T.
Other names: c.161A>T, p.Glu54Val (NM_001283106.3, NM_001283116.3, NM_001283148.3 and 10 more transcripts); c.284A>T, p.Glu95Val (NM_001283129.3, NM_001283215.3, NM_001322141.2 and 5 more transcripts); c.-19A>T (NM_001283235.3, NM_001322146.2, NM_001322148.2 and 9 more transcripts); short protein forms E54V, E95V.
Identifiers: ClinVar variation 2089104 (VCV002089104.4), dbSNP rs1171017037, ClinGen allele CA410695493.

ClinVar aggregate classification (germline): Uncertain significance (1 of 4 stars; one submission).

Allele frequency attached by ClinVar (database versions not stated): gnomAD exomes below 0.00001; TOPMed below 0.00001.
gnomAD v4.1: 1 of 1,604,504 alleles (0.000062%); highest among the groups gnomAD compares: African/African-American, 0.0013%; no homozygotes.

Submission:

Labcorp Genetics (formerly Invitae), Labcorp
Classification: Uncertain significance. Last evaluated: 2023-12-06. Review status: criteria provided, single submitter. Criteria: Invitae Variant Classification Sherloc (09022015). Collection method: clinical testing. Allele origin: germline.
Comment: This sequence change replaces glutamic acid, which is acidic and polar, with valine, which is neutral and non-polar, at codon 54 of the TANGO2 protein (p.Glu54Val). This variant is present in population databases (no rsID available, gnomAD 0.007%). This variant has not been reported in the literature in individuals affected with TANGO2-related conditions. ClinVar contains an entry for this variant (Variation ID: 2089104). An algorithm developed to predict the effect of missense changes on protein structure and function (PolyPhen-2) suggests that this variant is likely to be tolerated. In summary, the available evidence is currently insufficient to determine the role of this variant in disease. Therefore, it has been classified as a Variant of Uncertain Significance.